The following is an entry in ClinVar:

ClinVar aggregate classification (germline): Uncertain significance (1 of 4 stars; one submission).

Conditions:
Combined immunodeficiency due to CD3gamma deficiency. Also called: SCID-LIKE IMMUNODEFICIENCY, T CELL-PARTIAL, B CELL-POSITIVE, NK CELL-POSITIVE; Immunodeficiency 17; Immunodeficiency 17, CD3 gamma deficient; CD3-GAMMA DEFICIENCY. Identifiers: Orphanet 169082, MedGen C3810107, MONDO:0014276, OMIM 615607.

Allele frequency attached by ClinVar (database versions not stated): gnomAD exomes below 0.00001; TOPMed below 0.00001; ExAC 0.00001.

Submission:

Labcorp Genetics (formerly Invitae), Labcorp
Classification: Uncertain significance for Combined immunodeficiency due to CD3gamma deficiency. Last evaluated: 2021-05-29. Review status: criteria provided, single submitter. Criteria: Invitae Variant Classification Sherloc (09022015). Collection method: clinical testing. Allele origin: germline.
Comment: In summary, the available evidence is currently insufficient to determine the role of this variant in disease. Therefore, it has been classified as a Variant of Uncertain Significance. Algorithms developed to predict the effect of missense changes on protein structure and function output the following: SIFT: "Tolerated"; PolyPhen-2: "Benign"; Align-GVGD: "Class C0". The glutamine amino acid residue is found in multiple mammalian species, suggesting that this missense change does not adversely affect protein function. These predictions have not been confirmed by published functional studies and their clinical significance is uncertain. This variant has not been reported in the literature in individuals with CD3G-related conditions. This variant is present in population databases (rs758764358, ExAC 0.002%). This sequence change replaces arginine with glutamine at codon 82 of the CD3G protein (p.Arg82Gln). The arginine residue is highly conserved and there is a small physicochemical difference between arginine and glutamine.

NM_000073.3(CD3G):c.245G>A (p.Arg82Gln)

Genes: CD3G (CD3 gamma subunit of T-cell receptor complex; plus strand), LOC126861358 (BRD4-independent group 4 enhancer GRCh37_chr11:118220212-118221411; plus strand). Cytogenetic location: 11q23.3.
Variant type: single nucleotide variant.
Coding change: c.245G>A on transcript NM_000073.3 (MANE Select); coding-DNA position 245, G replaced by A.
Protein change: p.Arg82Gln; replaces arginine 82 with glutamine.
Molecular consequence: missense variant.
Genome position (GRCh38, 1-based): chr11:118,349,908, G>A. VCF-style: chr11-118349908-G-A. GRCh37 (hg19) VCF-style: chr11-118220623-G-A.
Other names: short protein forms R82Q.
Identifiers: ClinVar variation 1387582 (VCV001387582.8), dbSNP rs758764358, ClinGen allele CA6302139.